The following is an entry in ClinVar:

NM_001243133.2(NLRP3):c.1600C>T (p.Leu534=)

Gene: NLRP3 (NLR family pyrin domain containing 3; plus strand). Cytogenetic location: 1q44.
Variant type: single nucleotide variant.
Coding change: c.1600C>T on transcript NM_001243133.2 (MANE Select); coding-DNA position 1600, C replaced by T.
Protein change: p.Leu534=; no amino-acid change (leucine 534 retained).
Molecular consequence: synonymous variant.
Genome position (GRCh38, 1-based): chr1:247,425,049, C>T. VCF-style: chr1-247425049-C-T. GRCh37 (hg19) VCF-style: chr1-247588351-C-T.
Other names: p.Leu536=; c.1600C>T, p.Leu534= (NM_001079821.3, NM_001127461.3, NM_001127462.3 and 1 more transcripts); c.1606C>T, p.Leu536= (NM_004895.5).
Identifiers: ClinVar variation 97940 (VCV000097940.36), dbSNP rs116054301, ClinGen allele CA281238.

ClinVar aggregate classification (germline): Benign/Likely benign. Review status: criteria provided, multiple submitters, no conflicts (2 of 4 stars). 15 submissions from 13 submitters: Benign (11); Likely benign (1). 3 of the submissions do not count toward it. Last evaluated 2026-02-01.

Conditions:
Autoinflammatory syndrome. Identifiers: Orphanet 93665, MedGen C3890737, MONDO:0019751.
Cryopyrin associated periodic syndrome (CAPS). Identifiers: Orphanet 208650, MedGen C2316212, MONDO:0016168.
Familial cold autoinflammatory syndrome 1 (FCAS1). Also called: Familial cold inflammatory syndrome 1; CRYOPYRIN-ASSOCIATED PERIODIC SYNDROME 1. Identifiers: Orphanet 47045, MedGen C4551895, MONDO:0007349, OMIM 120100.
Chronic infantile neurological, cutaneous and articular syndrome (CINCA). Also called: CHRONIC NEUROLOGIC CUTANEOUS AND ARTICULAR SYNDROME; CINCA syndrome; CRYOPYRIN-ASSOCIATED PERIODIC SYNDROME 3; Prieur Griscelli syndrome. Identifiers: Orphanet 1451, MedGen C0409818, MONDO:0011776, OMIM 607115.
Familial amyloid nephropathy with urticaria AND deafness (MWS). Also called: UDA SYNDROME; URTICARIA-DEAFNESS-AMYLOIDOSIS SYNDROME; CRYOPYRIN-ASSOCIATED PERIODIC SYNDROME 2; MUCKLE-WELLS SYNDROME; Urticaria, deafness and amyloidosis. Identifiers: Orphanet 575, MedGen C0268390, MONDO:0008633, OMIM 191900.

Allele frequency attached by ClinVar (database versions not stated): gnomAD exomes 0.00059 and 0.00138; ExAC 0.00158; ESP Exome Variant Server 0.00477; gnomAD 0.00563 and 0.00596; TOPMed 0.00631; 1000 Genomes Project 0.00679; 1000 Genomes Project 30x 0.00765.
gnomAD v4.1: 1,742 of 1,614,114 alleles (0.11%); highest among the groups gnomAD compares: African/African-American, 1.9%; 14 homozygotes.

Submissions (15):

Labcorp Genetics (formerly Invitae), Labcorp
Classification: Benign for Cryopyrin associated periodic syndrome. Last evaluated: 2026-02-01. Review status: criteria provided, single submitter. Criteria: Invitae Variant Classification Sherloc (09022015). Collection method: clinical testing. Allele origin: germline.

Mayo Clinic Laboratories, Mayo Clinic
Classification: Benign. Last evaluated: 2025-03-24. Review status: criteria provided, single submitter. Criteria: ACMG Guidelines, 2015. Collection method: clinical testing. Allele origin: germline. Observed: 2 variant alleles.
Comment: BA1, BS2, BP4, BP7

ARUP Laboratories, Molecular Genetics and Genomics, ARUP Laboratories
Classification: Benign. Last evaluated: 2025-02-13. Review status: criteria provided, single submitter. Criteria: ARUP Molecular Germline Variant Investigation Process 2024. Collection method: clinical testing. Allele origin: germline.

Blueprint Genetics
Classification: Likely benign. Last evaluated: 2024-11-26. Review status: criteria provided, single submitter. Criteria: ACMG Guidelines, 2015. Collection method: clinical testing. Allele origin: germline.

Genome Diagnostics Laboratory, The Hospital for Sick Children
Classification: Benign for Autoinflammatory syndrome. Last evaluated: 2020-04-01. Review status: criteria provided, single submitter. Criteria: ACMG Guidelines, 2015. Collection method: clinical testing. Allele origin: germline. Affected: yes.

Illumina Laboratory Services, Illumina
Classification: Benign for Chronic infantile neurological, cutaneous and articular syndrome. Last evaluated: 2018-01-12. Review status: criteria provided, single submitter. Criteria: ICSL Variant Classification Criteria 13 December 2019. Collection method: clinical testing. Allele origin: germline.
Comment: This variant was observed in the ICSL laboratory as part of a predisposition screen in an ostensibly healthy population. It had not been previously curated by ICSL or reported in the Human Gene Mutation Database (HGMD: prior to June 1st, 2018), and was therefore a candidate for classification through an automated scoring system. Utilizing variant allele frequency, disease prevalence and penetrance estimates, and inheritance mode, an automated score was calculated to assess if this variant is too frequent to cause the disease. Based on the score and internal cut-off values, a variant classified as benign is not then subjected to further curation. The score for this variant resulted in a classification of benign for this disease.

Illumina Laboratory Services, Illumina
Classification: Benign for Familial amyloid nephropathy with urticaria AND deafness. Last evaluated: 2018-01-12. Review status: criteria provided, single submitter. Criteria: ICSL Variant Classification Criteria 13 December 2019. Collection method: clinical testing. Allele origin: germline.
Comment: the same text as in the submission from Illumina Laboratory Services, Illumina above.

Illumina Laboratory Services, Illumina
Classification: Benign for Familial cold autoinflammatory syndrome 1. Last evaluated: 2018-01-12. Review status: criteria provided, single submitter. Criteria: ICSL Variant Classification Criteria 13 December 2019. Collection method: clinical testing. Allele origin: germline.
Comment: the same text as in the submission from Illumina Laboratory Services, Illumina above.

Laboratory for Molecular Medicine, Mass General Brigham Personalized Medicine
Classification: Benign. Last evaluated: 2017-08-23. Review status: criteria provided, single submitter. Criteria: LMM Criteria. Collection method: clinical testing. Allele origin: germline. Observed: 4 variant alleles.
Comment: p.Leu536Leu in exon 5 of NLRP3: This variant is not expected to have clinical si gnificance because it does not alter an amino acid residue, is not located withi n the splice consensus sequence, and has been identified in 1.69% (175/10352) of African chromosomes by the Exome Aggregation Consortium (ExAC; dbSNP rs116054301).

GeneDx
Classification: Benign. Last evaluated: 2015-03-03. Review status: criteria provided, single submitter. Criteria: GeneDx Variant Classification Process June 2021. Collection method: clinical testing. Allele origin: germline. Affected: yes.

Breakthrough Genomics
Classification: Benign. Review status: criteria provided, single submitter. Criteria: ACMG Guidelines, 2015. Collection method: not provided. Allele origin: germline. Inheritance: Autosomal dominant inheritance. Affected: yes.

PreventionGenetics, part of Exact Sciences
Classification: Benign. Review status: criteria provided, single submitter. Criteria: ACMG Guidelines, 2015. Collection method: clinical testing. Allele origin: germline.

Clinical Genetics DNA and cytogenetics Diagnostics Lab, Erasmus MC, Erasmus Medical Center
Classification: Benign. Review status: no assertion criteria provided. Collection method: clinical testing. Allele origin: germline. Affected: yes. Study: VKGL Data-share Consensus. Not counted in ClinVar's aggregate classification.

Genome Diagnostics Laboratory, University Medical Center Utrecht
Classification: Likely benign. Review status: no assertion criteria provided. Collection method: clinical testing. Allele origin: germline. Affected: yes. Study: VKGL Data-share Consensus. Not counted in ClinVar's aggregate classification.

Unité médicale des maladies autoinflammatoires, CHRU Montpellier
No classification provided. Condition: Familial cold urticaria. Review status: no classification provided. Collection method: not provided. Allele origin: unknown. Not counted in ClinVar's aggregate classification.
Comment: also involved in OMIM 191900 and 607115